The following is an entry in ClinVar:

ClinVar aggregate classification (germline): Uncertain significance (1 of 4 stars; one submission).

Conditions:
Diamond-Blackfan anemia. Also called: Blackfan Diamond syndrome; Aregenerative anemia chronic congenital; Red cell aplasia, pure hereditary; Congenital hypoplastic anemia; Aase syndrome. Identifiers: Orphanet 124, MedGen C1260899, MeSH D029503, MONDO:0015253, HP:0004810.

Allele frequency attached by ClinVar (database versions not stated): ExAC 0.00001; gnomAD exomes below 0.00001.
gnomAD v4.1: 6 of 1,613,976 alleles (0.00037%); highest among the groups gnomAD compares: South Asian, 0.0033%; no homozygotes.

Submission:

Labcorp Genetics (formerly Invitae), Labcorp
Classification: Uncertain significance for Diamond-Blackfan anemia. Last evaluated: 2024-10-26. Review status: criteria provided, single submitter. Criteria: Invitae Variant Classification Sherloc (09022015). Collection method: clinical testing. Allele origin: germline.
Comment: This sequence change replaces isoleucine, which is neutral and non-polar, with threonine, which is neutral and polar, at codon 135 of the RPL5 protein (p.Ile135Thr). This variant is present in population databases (rs771599532, gnomAD 0.003%). This variant has not been reported in the literature in individuals affected with RPL5-related conditions. ClinVar contains an entry for this variant (Variation ID: 1462993). Invitae Evidence Modeling of protein sequence and biophysical properties (such as structural, functional, and spatial information, amino acid conservation, physicochemical variation, residue mobility, and thermodynamic stability) indicates that this missense variant is not expected to disrupt RPL5 protein function with a negative predictive value of 80%. In summary, the available evidence is currently insufficient to determine the role of this variant in disease. Therefore, it has been classified as a Variant of Uncertain Significance.

NM_000969.5(RPL5):c.404T>C (p.Ile135Thr)

Genes: DIPK1A (divergent protein kinase domain 1A; minus strand), RPL5 (ribosomal protein L5; plus strand). Cytogenetic location: 1p22.1.
Variant type: single nucleotide variant.
Coding change: c.404T>C on transcript NM_000969.5 (MANE Select); coding-DNA position 404, T replaced by C.
Protein change: p.Ile135Thr; replaces isoleucine 135 with threonine.
Molecular consequence: missense variant. On other transcripts: non-coding transcript variant (1), intron variant (1).
Genome position (GRCh38, 1-based): chr1:92,836,269, T>C. VCF-style: chr1-92836269-T-C. GRCh37 (hg19) VCF-style: chr1-93301826-T-C.
Other names: c.475-3235A>G (NM_001252273.2); short protein forms I135T.
Identifiers: ClinVar variation 1462993 (VCV001462993.44), dbSNP rs771599532, ClinGen allele CA952459.
Genomic context (GRCh38, chr1:92,836,269, plus strand): 5'-TGGACAAGATCTATGAAGGCCAAGTGGAGGTGACTGGTGATGAATACAATGTGGAAAGCA[T>C]TGATGGTCAGCCAGGTGCCTTCACCTGCTATTTGGATGCAGGCCTTGCCAGAACTACCAC-3'
Protein context (NP_000960.2, residues 125-145): VTGDEYNVES[Ile135Thr]DGQPGAFTCY